The following is an entry in ClinVar:

NM_003072.5(SMARCA4):c.1245+1G>A

Gene: SMARCA4 (SWI/SNF related BAF chromatin remodeling complex subunit ATPase 4; plus strand). Cytogenetic location: 19p13.2.
Variant type: single nucleotide variant.
Coding change: c.1245+1G>A on transcript NM_003072.5 (MANE Select); the canonical splice donor site of the intron after coding-DNA position 1245, G replaced by A.
Molecular consequence: splice donor variant.
Genome position (GRCh38, 1-based): chr19:10,989,444, G>A. VCF-style: chr19-10989444-G-A. GRCh37 (hg19) VCF-style: chr19-11100120-G-A.
Other names: c.1245+1G>A (NM_001128844.3, NM_001128849.3, NM_001128847.4 and 6 more transcripts).
Identifiers: ClinVar variation 2761977 (VCV002761977.3), dbSNP rs1164187847, ClinGen allele CA404059832.
Genomic context (GRCh38, chr19:10,989,444, plus strand): 5'-TTGCGAACCAAAGCGACCATTGAGCTCAAGGCCCTCAGGCTGCTGAACTTCCAGAGGCAG[G>A]TGGGTGCTGGCATGGCCGCAGCTTTCCGAAAAGGGCCTTTGTCACCAACACTGCTGCTAA-3'

ClinVar aggregate classification (germline): Likely pathogenic (1 of 4 stars; one submission).

Conditions:
Rhabdoid tumor predisposition syndrome 2 (RTPS2). Identifiers: Orphanet 231108, Orphanet 69077, MedGen C2750074, MONDO:0013224, OMIM 613325.

Submission:

Labcorp Genetics (formerly Invitae), Labcorp
Classification: Likely pathogenic for Rhabdoid tumor predisposition syndrome 2. Last evaluated: 2023-09-19. Review status: criteria provided, single submitter. Criteria: Invitae Variant Classification Sherloc (09022015). Collection method: clinical testing. Allele origin: germline.
Comment: In summary, the currently available evidence indicates that the variant is pathogenic, but additional data are needed to prove that conclusively. Therefore, this variant has been classified as Likely Pathogenic. Algorithms developed to predict the effect of sequence changes on RNA splicing suggest that this variant may disrupt the consensus splice site. This variant has not been reported in the literature in individuals affected with SMARCA4-related conditions. This variant is not present in population databases (gnomAD no frequency). This sequence change affects a donor splice site in intron 7 of the SMARCA4 gene. It is expected to disrupt RNA splicing. Variants that disrupt the donor or acceptor splice site typically lead to a loss of protein function (PMID: 16199547), and loss-of-function variants in SMARCA4 are known to be pathogenic (PMID: 24658001, 24658002).

Literature cited by the submitters: PubMed 16199547; PubMed 24658001; PubMed 24658002.